The following is an entry in ClinVar:

NM_198098.4(AQP1):c.115G>C (p.Val39Leu)

Gene: AQP1 (aquaporin 1 (Colton blood group); plus strand). Cytogenetic location: 7p14.3.
Variant type: single nucleotide variant.
Coding change: c.115G>C on transcript NM_198098.4 (MANE Select); coding-DNA position 115, G replaced by C.
Protein change: p.Val39Leu; replaces valine 39 with leucine.
Molecular consequence: missense variant.
Genome position (GRCh38, 1-based): chr7:30,912,024, G>C. VCF-style: chr7-30912024-G-C. GRCh37 (hg19) VCF-style: chr7-30951639-G-C.
Other names: c.115G>C, p.Val39Leu (NM_001329872.2); short protein forms V39L.
Identifiers: ClinVar variation 4745670 (VCV004745670.1).

ClinVar aggregate classification (germline): Uncertain significance (1 of 4 stars; one submission).

Submission:

Labcorp Genetics (formerly Invitae), Labcorp
Classification: Uncertain significance. Last evaluated: 2025-03-20. Review status: criteria provided, single submitter. Criteria: Invitae Variant Classification Sherloc (09022015). Collection method: clinical testing. Allele origin: germline.
Comment: This sequence change replaces valine, which is neutral and non-polar, with leucine, which is neutral and non-polar, at codon 39 of the AQP1 protein (p.Val39Leu). This variant is not present in population databases (gnomAD no frequency). This variant has not been reported in the literature in individuals affected with AQP1-related conditions. An algorithm developed to predict the effect of missense changes on protein structure and function (PolyPhen-2) suggests that this variant is likely to be tolerated. In summary, the available evidence is currently insufficient to determine the role of this variant in disease. Therefore, it has been classified as a Variant of Uncertain Significance.